The following is an entry in ClinVar:

NM_006545.5(NPRL2):c.1051T>C (p.Tyr351His)

Gene: NPRL2 (NPR2 like, GATOR1 complex subunit; minus strand). Cytogenetic location: 3p21.31.
Variant type: single nucleotide variant.
Coding change: c.1051T>C on transcript NM_006545.5 (MANE Select); coding-DNA position 1051, T replaced by C.
Protein change: p.Tyr351His; replaces tyrosine 351 with histidine.
Molecular consequence: missense variant.
Genome position (GRCh38, 1-based): chr3:50,347,783, A>G on the plus strand (T>C on the coding strand, the complement: NPRL2 is on the minus strand). VCF-style: chr3-50347783-A-G. GRCh37 (hg19) VCF-style: chr3-50385214-A-G.
Other names: short protein forms Y351H.
Identifiers: ClinVar variation 3767796 (VCV003767796.1).
Genomic context (GRCh38, chr3:50,347,783, plus strand): 5'-GCCCTGAACCCACCCTGACTGCCCGCCTGCCTCCACCTGTCTTGCAGCAGATCTCGTCAT[A>G]GCTGTGGCAGCCTGTATAAAGCCGGGCAGGGTGGCTCTGCTCTTCCCGAGTCACCCGCAC-3'
Protein context (NP_006536.3, residues 341-361): PARLYTGCHS[Tyr351His]DEICCKTGMS

ClinVar aggregate classification (germline): Uncertain significance (1 of 4 stars; one submission).

Submission:

GeneDx
Classification: Uncertain significance. Last evaluated: 2024-09-04. Review status: criteria provided, single submitter. Criteria: GeneDx Variant Classification Process June 2021. Collection method: clinical testing. Allele origin: germline. Affected: yes.
Comment: Not observed at significant frequency in large population cohorts (gnomAD); In silico analysis supports that this missense variant has a deleterious effect on protein structure/function; Has not been previously published as pathogenic or benign to our knowledge